The following is an entry in ClinVar:

NM_004655.4(AXIN2):c.786G>T (p.Arg262Ser)

Gene: AXIN2 (axin 2; minus strand). Cytogenetic location: 17q24.1.
Variant type: single nucleotide variant.
Coding change: c.786G>T on transcript NM_004655.4 (MANE Select); coding-DNA position 786, G replaced by T.
Protein change: p.Arg262Ser; replaces arginine 262 with serine.
Molecular consequence: missense variant.
Genome position (GRCh38, 1-based): chr17:65,557,835, C>A on the plus strand (G>T on the coding strand, the complement: AXIN2 is on the minus strand). VCF-style: chr17-65557835-C-A. GRCh37 (hg19) VCF-style: chr17-63553953-C-A.
Other names: c.786G>T, p.Arg262Ser (NM_001363813.1); short protein forms R262S.
Identifiers: ClinVar variation 1365165 (VCV001365165.8), dbSNP rs2144582022, ClinGen allele CA400680268.

ClinVar aggregate classification (germline): Uncertain significance (1 of 4 stars; one submission).

Conditions:
Oligodontia-cancer predisposition syndrome. Also called: TOOTH AGENESIS-COLORECTAL CANCER SYNDROME. Identifiers: Orphanet 300576, MedGen C1837750, MONDO:0012075, OMIM 608615. Disease mechanism: loss of function.

Submission:

Labcorp Genetics (formerly Invitae), Labcorp
Classification: Uncertain significance for Oligodontia-cancer predisposition syndrome. Last evaluated: 2021-07-13. Review status: criteria provided, single submitter. Criteria: Invitae Variant Classification Sherloc (09022015). Collection method: clinical testing. Allele origin: germline.
Comment: This variant is not present in population databases (ExAC no frequency). This variant has not been reported in the literature in individuals affected with AXIN2-related conditions. Algorithms developed to predict the effect of missense changes on protein structure and function are either unavailable or do not agree on the potential impact of this missense change (SIFT: "Tolerated"; PolyPhen-2: "Possibly Damaging"; Align-GVGD: "Class C0"). In summary, the available evidence is currently insufficient to determine the role of this variant in disease. Therefore, it has been classified as a Variant of Uncertain Significance. This sequence change replaces arginine with serine at codon 262 of the AXIN2 protein (p.Arg262Ser). The arginine residue is highly conserved and there is a moderate physicochemical difference between arginine and serine.